The following is an entry in ClinVar:

ClinVar aggregate classification (germline): Conflicting classifications of pathogenicity. Review status: criteria provided, conflicting classifications (1 of 4 stars). 3 submissions from 3 submitters: Uncertain significance (2); Benign (1). Last evaluated 2025-09-03.

Conditions:
Ehlers-Danlos syndrome, classic type, 1 (EDSCL1). Also called: EHLERS-DANLOS SYNDROME, GRAVIS TYPE; EHLERS-DANLOS SYNDROME, SEVERE CLASSIC TYPE; EDS I; Ehlers-Danlos Syndrome, Classic Type, COL5A1-Related; Ehlers-Danlos syndrome, type 1. Identifiers: MedGen C0268335, MONDO:0019567, OMIM 130000.
Familial thoracic aortic aneurysm and aortic dissection (TAAD). Also called: Thoracic aortic aneurysms and dissections. Identifiers: Orphanet 91387, MedGen C4707243, MONDO:0019625.

Allele frequency attached by ClinVar (database versions not stated): gnomAD exomes 0.00001; TOPMed 0.00003; gnomAD 0.00002; ESP Exome Variant Server 0.00008; ExAC 0.00001.
gnomAD v4.1: 17 of 1,613,970 alleles (0.0011%); highest among the groups gnomAD compares: African/African-American, 0.021%; no homozygotes.

Submissions (3):

Labcorp Genetics (formerly Invitae), Labcorp
Classification: Benign for Ehlers-Danlos syndrome, classic type, 1. Last evaluated: 2025-09-03. Review status: criteria provided, single submitter. Criteria: Invitae Variant Classification Sherloc (09022015). Collection method: clinical testing. Allele origin: germline.

GeneDx
Classification: Uncertain significance. Last evaluated: 2024-05-06. Review status: criteria provided, single submitter. Criteria: GeneDx Variant Classification Process June 2021. Collection method: clinical testing. Allele origin: germline. Affected: yes.
Comment: Has not been previously published as pathogenic or benign to our knowledge; Not observed at significant frequency in large population cohorts (gnomAD); Not located in the triple helical region, where the majority of pathogenic missense variants occur (PMID: 22696272; HGMD); In silico analysis indicates that this missense variant does not alter protein structure/function; This variant is associated with the following publications: (PMID: 22696272)

Ambry Genetics
Classification: Uncertain significance for Familial thoracic aortic aneurysm and aortic dissection. Last evaluated: 2023-08-28. Review status: criteria provided, single submitter. Criteria: Ambry Variant Classification Scheme 2023. Collection method: clinical testing. Allele origin: germline.
Comment: The p.Q98R variant (also known as c.293A>G), located in coding exon 2 of the COL5A2 gene, results from an A to G substitution at nucleotide position 293. The glutamine at codon 98 is replaced by arginine, an amino acid with highly similar properties. This amino acid position is poorly conserved in available vertebrate species. In addition, this alteration is predicted to be tolerated by in silico analysis. Since supporting evidence is limited at this time, the clinical significance of this alteration remains unclear.

NM_000393.5(COL5A2):c.293A>G (p.Gln98Arg)

Gene: COL5A2 (collagen type V alpha 2 chain; minus strand). Cytogenetic location: 2q32.2.
Variant type: single nucleotide variant.
Coding change: c.293A>G on transcript NM_000393.5 (MANE Select); coding-DNA position 293, A replaced by G.
Protein change: p.Gln98Arg; replaces glutamine 98 with arginine.
Molecular consequence: missense variant.
Genome position (GRCh38, 1-based): chr2:189,110,254, T>C on the plus strand (A>G on the coding strand, the complement: COL5A2 is on the minus strand). VCF-style: chr2-189110254-T-C. GRCh37 (hg19) VCF-style: chr2-189974980-T-C.
Other names: c.293A>G (NM_000393.3); short protein forms Q98R.
Identifiers: ClinVar variation 1022733 (VCV001022733.12), dbSNP rs374402209, ClinGen allele CA2023162.